The following is an entry in ClinVar:

NM_019885.4(CYP26B1):c.86C>A (p.Ser29Ter)

Gene: CYP26B1 (cytochrome P450 family 26 subfamily B member 1; minus strand). Cytogenetic location: 2p13.2.
Variant type: single nucleotide variant.
Coding change: c.86C>A on transcript NM_019885.4 (MANE Select); coding-DNA position 86, C replaced by A.
Protein change: p.Ser29Ter; replaces serine 29 with a stop codon.
Molecular consequence: nonsense.
Genome position (GRCh38, 1-based): chr2:72,147,749, G>T on the plus strand (C>A on the coding strand, the complement: CYP26B1 is on the minus strand). VCF-style: chr2-72147749-G-T. GRCh37 (hg19) VCF-style: chr2-72374878-G-T.
Other names: c.86C>A, p.Ser29Ter (NM_001277742.2); short protein forms S29*.
Identifiers: ClinVar variation 1809805 (VCV001809805.3), dbSNP rs1677161997, ClinGen allele CA347228997.

ClinVar aggregate classification (germline): Likely pathogenic (1 of 4 stars; one submission).

Conditions:
Lethal occipital encephalocele-skeletal dysplasia syndrome. Identifiers: Orphanet 293925, MedGen C3280729, MONDO:0013740, OMIM 614416.

Submission:

Diagnostics Division, CENTRE FOR DNA FINGERPRINTING AND DIAGNOSTICS
Classification: Likely pathogenic for Lethal occipital encephalocele-skeletal dysplasia syndrome. Last evaluated: 2022-05-09. Review status: criteria provided, single submitter. Criteria: ACMG Guidelines, 2015. Collection method: research. Allele origin: maternal. Inheritance: Autosomal dominant inheritance. Affected: yes. Clinical features observed: Craniosynostosis syndrome (HP:0001363).
Comment: Autosomal recessive CYP26B1 disorder is characterised by syndromic craniosynostosis of variable severity, and survival ranging from prenatal lethality to survival into adulthood. Here we report on two related individuals of Asian-Indian origin with syndromic craniosynostosis characterized by craniosynostosis, and dysplastic radial heads, caused by monoallelic CYP26B1 likely pathogenic variant NM_019885.4:c.86C>A:p.(Ser29Ter). We propose and describe autosomal dominant phenotype of CYP26B1 variant.